The following is an entry in ClinVar:

ClinVar aggregate classification (germline): Uncertain significance (1 of 4 stars; one submission).

Submission:

Labcorp Genetics (formerly Invitae), Labcorp
Classification: Uncertain significance. Last evaluated: 2024-06-25. Review status: criteria provided, single submitter. Criteria: Invitae Variant Classification Sherloc (09022015). Collection method: clinical testing. Allele origin: germline.
Comment: This sequence change falls in intron 6 of the TCF3 gene. It does not directly change the encoded amino acid sequence of the TCF3 protein. This variant is present in population databases (no rsID available, gnomAD 0.001%). This variant has not been reported in the literature in individuals affected with TCF3-related conditions. ClinVar contains an entry for this variant (Variation ID: 1903685). In summary, the available evidence is currently insufficient to determine the role of this variant in disease. Therefore, it has been classified as a Variant of Uncertain Significance.

NM_003200.5(TCF3):c.354_366+7dup

Gene: TCF3 (transcription factor 3; minus strand). Cytogenetic location: 19p13.3.
Variant type: Duplication.
Coding change: c.354_366+7dup on transcript NM_003200.5 (MANE Select); coding-DNA position 354 through 7 bases into the intron after coding-DNA position 366, 20 bases duplicated (CGGCCTGACTCAGGTGAGGG).
Molecular consequence: splice donor variant.
Genome position (GRCh38, 1-based): chr19:1,627,352-1,627,371, CCCTCACCTGAGTCAGGCCG duplicated on the plus strand (CGGCCTGACTCAGGTGAGGG on the coding strand, the reverse complement: TCF3 is on the minus strand); duplicating any 20 consecutive bases within chr19:1,627,352-1,627,374 gives the same sequence; the c. name uses the placement nearest the transcript's 3' end. VCF-style (leftmost placement, unchanged base first): chr19-1627351-C-CCCCTCACCTGAGTCAGGCCG. GRCh37 (hg19) VCF-style: chr19-1627350-C-CCCCTCACCTGAGTCAGGCCG.
Other names: c.354_366+7dup (NM_001351778.2, NM_001136139.4, NM_001351779.2).
Identifiers: ClinVar variation 1903685 (VCV001903685.5), dbSNP rs1257910812, ClinGen allele CA631060780.